The following is an entry in ClinVar:

ClinVar aggregate classification (germline): Conflicting classifications of pathogenicity. Review status: criteria provided, conflicting classifications (1 of 4 stars). 6 submissions from 6 submitters: Uncertain significance (5); Benign (1). Last evaluated 2025-12-17.

Conditions:
Mismatch repair cancer syndrome 3. Identifiers: MedGen C5436807, MONDO:0030841, OMIM 619097.
Lynch syndrome 5 (LYNCH5). Also called: Hereditary non-polyposis colorectal cancer, type 5; Colorectal cancer, hereditary nonpolyposis, type 5. Identifiers: Orphanet 144, MedGen C1833477, MONDO:0013710, OMIM 614350. Disease mechanism: loss of function.
Hereditary cancer-predisposing syndrome. Also called: Hereditary Cancer Syndrome; Tumor predisposition; Hereditary neoplastic syndrome; Neoplastic Syndromes, Hereditary. Identifiers: Orphanet 140162, MedGen C0027672, MeSH D009386, MONDO:0015356.
Hereditary nonpolyposis colorectal neoplasms. Identifiers: MedGen C0009405, MeSH D003123.
Endometrial carcinoma. Also called: Endometrial carcinoma, somatic. Identifiers: MedGen C0476089, MONDO:0002447, OMIM 608089, HP:0012114.

Submissions (6):

Labcorp Genetics (formerly Invitae), Labcorp
Classification: Benign for Hereditary nonpolyposis colorectal neoplasms. Last evaluated: 2025-12-17. Review status: criteria provided, single submitter. Criteria: Invitae Variant Classification Sherloc (09022015). Collection method: clinical testing. Allele origin: germline.

Ambry Genetics
Classification: Uncertain significance for Hereditary cancer-predisposing syndrome. Last evaluated: 2025-11-19. Review status: criteria provided, single submitter. Criteria: Ambry Variant Classification Scheme 2023. Collection method: clinical testing. Allele origin: germline.
Comment: The p.M438V variant (also known as c.1312A>G), located in coding exon 4 of the MSH6 gene, results from an A to G substitution at nucleotide position 1312. The methionine at codon 438 is replaced by valine, an amino acid with highly similar properties. This amino acid position is highly conserved in available vertebrate species. In addition, this alteration is predicted to be deleterious by in silico analysis. Based on the available evidence, the clinical significance of this variant remains unclear.

Quest Diagnostics Nichols Institute San Juan Capistrano
Classification: Uncertain significance. Last evaluated: 2025-10-20. Review status: criteria provided, single submitter. Criteria: Quest Diagnostics criteria. Collection method: clinical testing. Allele origin: unknown.
Comment: The MSH6 c.1312A>G (p.Met438Val) variant has been observed in the published literature in a reportedly unaffected individual (PMID: 36243179 (2022)). This variant has not been reported in large, multi-ethnic general populations (Genome Aggregation Database). Analysis of this variant using bioinformatics tools for the prediction of the effect of amino acid changes on protein structure and function yielded predictions that this variant is damaging. Based on the available information, we are unable to determine the clinical significance of this variant.

GeneDx
Classification: Uncertain significance. Last evaluated: 2025-06-15. Review status: criteria provided, single submitter. Criteria: GeneDx Variant Classification Process June 2021. Collection method: clinical testing. Allele origin: germline. Affected: yes.
Comment: Not observed in any cases, but was observed in unaffected controls from a biliary tract cancer study (PMID: 36243179); Not observed at significant frequency in large population cohorts (gnomAD); In silico analysis supports that this missense variant has a deleterious effect on protein structure/function; This variant is associated with the following publications: (PMID: 17531815, 21120944, 36243179)

Color Diagnostics, LLC DBA Color Health
Classification: Uncertain significance for Hereditary cancer-predisposing syndrome. Last evaluated: 2025-06-11. Review status: criteria provided, single submitter. Criteria: ACMG Guidelines, 2015. Collection method: clinical testing. Allele origin: germline.
Comment: This missense variant replaces methionine with valine at codon 438 of the MSH6 protein. Computational prediction suggests that this variant may have deleterious impact on protein structure and function. To our knowledge, functional studies have not been reported for this variant. This variant has not been reported in individuals affected with MSH6-related disorders in the literature. This variant has not been identified in the general population by the Genome Aggregation Database (gnomAD). The available evidence is insufficient to determine the role of this variant in disease conclusively. Therefore, this variant is classified as a Variant of Uncertain Significance.

Baylor Genetics
Classification: Uncertain significance for Endometrial carcinoma. Last evaluated: 2023-12-14. Review status: criteria provided, single submitter. Criteria: ACMG Guidelines, 2015. Collection method: clinical testing. Allele origin: unknown.

Literature cited by the submitters: PubMed 36243179 (cited by Quest Diagnostics Nichols Institute San Juan Capistrano).

NM_000179.3(MSH6):c.1312A>G (p.Met438Val)

Gene: MSH6 (mutS homolog 6; plus strand). Cytogenetic location: 2p16.3.
Variant type: single nucleotide variant.
Coding change: c.1312A>G on transcript NM_000179.3 (MANE Select); coding-DNA position 1312, A replaced by G.
Protein change: p.Met438Val; replaces methionine 438 with valine.
Molecular consequence: missense variant.
Genome position (GRCh38, 1-based): chr2:47,799,295, A>G. VCF-style: chr2-47799295-A-G. GRCh37 (hg19) VCF-style: chr2-48026434-A-G.
Other names: c.922A>G, p.Met308Val (NM_001281492.2); c.406A>G, p.Met136Val (NM_001281493.2, NM_001281494.2); short protein forms M438V, M136V, M308V.
Identifiers: ClinVar variation 455131 (VCV000455131.20), dbSNP rs1553412742, ClinGen allele CA346744372.